The following is an entry in ClinVar:

ClinVar aggregate classification (germline): Likely benign. Review status: criteria provided, multiple submitters, no conflicts (2 of 4 stars). 2 submissions from 2 submitters: Likely benign (2). Last evaluated 2026-02-05.

Conditions:
NBAS-related disorder. Also called: NBAS-related condition.

Allele frequency attached by ClinVar (database versions not stated): gnomAD exomes below 0.00001; ExAC 0.00001; gnomAD 0.00002; TOPMed 0.00003; ESP Exome Variant Server 0.00008.
gnomAD v4.1: 7 of 1,613,706 alleles (0.00043%); highest among the groups gnomAD compares: African/African-American, 0.0067%; no homozygotes.

Submissions (2):

PreventionGenetics, part of Exact Sciences
Classification: Likely benign for NBAS-related condition. Last evaluated: 2026-02-05. Review status: criteria provided, single submitter. Criteria: ACMG Guidelines, 2015. Collection method: clinical testing. Allele origin: germline.
Comment: This variant is classified as likely benign based on ACMG/AMP sequence variant interpretation guidelines (Richards et al. 2015 PMID: 25741868, with internal and published modifications).

Labcorp Genetics (formerly Invitae), Labcorp
Classification: Likely benign. Last evaluated: 2025-01-16. Review status: criteria provided, single submitter. Criteria: Invitae Variant Classification Sherloc (09022015). Collection method: clinical testing. Allele origin: germline.

NM_015909.4(NBAS):c.102G>A (p.Pro34=)

Genes: NBAS (NBAS subunit of NRZ tethering complex; minus strand), LOC129933155 (ATAC-STARR-seq lymphoblastoid active region 15346; plus strand). Cytogenetic location: 2p24.3.
Variant type: single nucleotide variant.
Coding change: c.102G>A on transcript NM_015909.4 (MANE Select); coding-DNA position 102, G replaced by A.
Protein change: p.Pro34=; no amino-acid change (proline 34 retained).
Molecular consequence: synonymous variant. On other transcripts: non-coding transcript variant (1).
Genome position (GRCh38, 1-based): chr2:15,561,203, C>T on the plus strand (G>A on the coding strand, the complement: NBAS is on the minus strand). VCF-style: chr2-15561203-C-T. GRCh37 (hg19) VCF-style: chr2-15701327-C-T.
Other names: c.102G>A (NM_015909.3).
Identifiers: ClinVar variation 1609084 (VCV001609084.9), dbSNP rs368859117, ClinGen allele CA1537236.